The following is an entry in ClinVar:

ClinVar aggregate classification (germline): Uncertain significance (1 of 4 stars; one submission).

Conditions:
Holocarboxylase synthetase deficiency. Also called: MULTIPLE CARBOXYLASE DEFICIENCY, EARLY ONSET. Identifiers: Orphanet 79242, MedGen C0268581, MONDO:0009666, OMIM 253270.

Allele frequency attached by ClinVar (database versions not stated): gnomAD exomes below 0.00001; gnomAD 0.00001; TOPMed 0.00002.
gnomAD v4.1: 5 of 1,614,086 alleles (0.00031%); highest among the groups gnomAD compares: Admixed American, 0.0033%; no homozygotes.

Submission:

Labcorp Genetics (formerly Invitae), Labcorp
Classification: Uncertain significance for Holocarboxylase synthetase deficiency. Last evaluated: 2025-04-28. Review status: criteria provided, single submitter. Criteria: Invitae Variant Classification Sherloc (09022015). Collection method: clinical testing. Allele origin: germline.
Comment: This sequence change replaces valine, which is neutral and non-polar, with methionine, which is neutral and non-polar, at codon 643 of the HLCS protein (p.Val643Met). This variant is present in population databases (no rsID available, gnomAD 0.004%). This variant has not been reported in the literature in individuals affected with HLCS-related conditions. ClinVar contains an entry for this variant (Variation ID: 2166258). Invitae Evidence Modeling of protein sequence and biophysical properties (such as structural, functional, and spatial information, amino acid conservation, physicochemical variation, residue mobility, and thermodynamic stability) indicates that this missense variant is not expected to disrupt HLCS protein function with a negative predictive value of 95%. In summary, the available evidence is currently insufficient to determine the role of this variant in disease. Therefore, it has been classified as a Variant of Uncertain Significance.

NM_001352514.2(HLCS):c.2368G>A (p.Val790Met)

Gene: HLCS (holocarboxylase synthetase; minus strand). Cytogenetic location: 21q22.13.
Variant type: single nucleotide variant.
Coding change: c.2368G>A on transcript NM_001352514.2 (MANE Select); coding-DNA position 2368, G replaced by A.
Protein change: p.Val790Met; replaces valine 790 with methionine.
Molecular consequence: missense variant. On other transcripts: non-coding transcript variant (2).
Genome position (GRCh38, 1-based): chr21:36,756,624, C>T on the plus strand (G>A on the coding strand, the complement: HLCS is on the minus strand). VCF-style: chr21-36756624-C-T. GRCh37 (hg19) VCF-style: chr21-38128925-C-T.
Other names: c.1927G>A, p.Val643Met (NM_000411.8, NM_001242784.3, NM_001242785.2 and 4 more transcripts); short protein forms V790M, V643M.
Identifiers: ClinVar variation 2166258 (VCV002166258.2), dbSNP rs866644112, ClinGen allele CA320415613.
Genomic context (GRCh38, chr21:36,756,624, plus strand): 5'-AAAGGGGAAGGACGCTGTTGGGCCCTTTGTCCTGAAACTCTTTGATCAGTTTCTCCAGCA[C>T]AGTCACGACTCTGGCGATGAGATAATCGGCTCTTAAGGGCTTCAGTTCTGCCTTGTGTTG-3'
Protein context (NP_001339443.1, residues 780-800): ADYLIARVVT[Val790Met]LEKLIKEFQD